The following is an entry in ClinVar:

ClinVar aggregate classification (germline): Uncertain significance (1 of 4 stars; one submission).

Submission:

GeneDx
Classification: Uncertain significance. Last evaluated: 2024-12-17. Review status: criteria provided, single submitter. Criteria: GeneDx Variant Classification Process June 2021. Collection method: clinical testing. Allele origin: germline. Affected: yes.
Comment: Not observed at significant frequency in large population cohorts (gnomAD); In silico analysis indicates that this missense variant does not alter protein structure/function; Has not been previously published as pathogenic or benign to our knowledge

NM_001385012.1(NBEA):c.5257G>T (p.Ala1753Ser)

Gene: NBEA (neurobeachin; plus strand). Cytogenetic location: 13q13.3.
Variant type: single nucleotide variant.
Coding change: c.5257G>T on transcript NM_001385012.1 (MANE Select); coding-DNA position 5257, G replaced by T.
Protein change: p.Ala1753Ser; replaces alanine 1753 with serine.
Molecular consequence: missense variant.
Genome position (GRCh38, 1-based): chr13:35,196,193, G>T. VCF-style: chr13-35196193-G-T. GRCh37 (hg19) VCF-style: chr13-35770330-G-T.
Other names: c.5248G>T, p.Ala1750Ser (NM_001379245.1); c.5257G>T, p.Ala1753Ser (NM_015678.5); short protein forms A1750S, A1753S.
Identifiers: ClinVar variation 3906698 (VCV003906698.1).